The following is an entry in ClinVar:

NM_005732.4(RAD50):c.2728G>C (p.Glu910Gln)

Gene: RAD50 (RAD50 double strand break repair protein; plus strand). Cytogenetic location: 5q31.1.
Variant type: single nucleotide variant.
Coding change: c.2728G>C on transcript NM_005732.4 (MANE Select); coding-DNA position 2728, G replaced by C.
Protein change: p.Glu910Gln; replaces glutamic acid 910 with glutamine.
Molecular consequence: missense variant.
Genome position (GRCh38, 1-based): chr5:132,608,624, G>C. VCF-style: chr5-132608624-G-C. GRCh37 (hg19) VCF-style: chr5-131944316-G-C.
Other names: short protein forms E910Q.
Identifiers: ClinVar variation 3224967 (VCV003224967.1), dbSNP rs2479369891, ClinGen allele CA360958503.

ClinVar aggregate classification (germline): Uncertain significance (1 of 4 stars; one submission).

Conditions:
Hereditary cancer-predisposing syndrome. Also called: Neoplastic Syndromes, Hereditary; Tumor predisposition; Hereditary neoplastic syndrome; Hereditary Cancer Syndrome. Identifiers: Orphanet 140162, MedGen C0027672, MeSH D009386, MONDO:0015356.

Allele frequency attached by ClinVar (database versions not stated): gnomAD exomes below 0.00001.
gnomAD v4.1: 4 of 1,586,780 alleles (0.00025%); highest among the groups gnomAD compares: Non-Finnish European, 0.00034%; no homozygotes.

Submission:

Ambry Genetics
Classification: Uncertain significance for Hereditary cancer-predisposing syndrome. Last evaluated: 2024-02-24. Review status: criteria provided, single submitter. Criteria: Ambry Variant Classification Scheme 2023. Collection method: clinical testing. Allele origin: germline.
Comment: The p.E910Q variant (also known as c.2728G>C), located in coding exon 17 of the RAD50 gene, results from a G to C substitution at nucleotide position 2728. The glutamic acid at codon 910 is replaced by glutamine, an amino acid with highly similar properties. This amino acid position is conserved. In addition, the in silico prediction for this alteration is inconclusive. Based on the available evidence, the clinical significance of this alteration remains unclear.